The following is an entry in ClinVar:

ClinVar aggregate classification (germline): Uncertain significance (1 of 4 stars; one submission).

gnomAD v4.1: 1 of 1,614,128 alleles (0.000062%); highest among the groups gnomAD compares: Non-Finnish European, 0.000085%; no homozygotes.

Submission:

Labcorp Genetics (formerly Invitae), Labcorp
Classification: Uncertain significance. Last evaluated: 2024-08-19. Review status: criteria provided, single submitter. Criteria: Invitae Variant Classification Sherloc (09022015). Collection method: clinical testing. Allele origin: germline.
Comment: This sequence change replaces proline, which is neutral and non-polar, with serine, which is neutral and polar, at codon 1181 of the COL2A1 protein (p.Pro1181Ser). This variant is not present in population databases (gnomAD no frequency). This variant has not been reported in the literature in individuals affected with COL2A1-related conditions. Invitae Evidence Modeling of protein sequence and biophysical properties (such as structural, functional, and spatial information, amino acid conservation, physicochemical variation, residue mobility, and thermodynamic stability) indicates that this missense variant is not expected to disrupt COL2A1 protein function with a negative predictive value of 95%. In summary, the available evidence is currently insufficient to determine the role of this variant in disease. Therefore, it has been classified as a Variant of Uncertain Significance.

NM_001844.5(COL2A1):c.3541C>T (p.Pro1181Ser)

Gene: COL2A1 (collagen type II alpha 1 chain; minus strand). Cytogenetic location: 12q13.11.
Variant type: single nucleotide variant.
Coding change: c.3541C>T on transcript NM_001844.5 (MANE Select); coding-DNA position 3541, C replaced by T.
Protein change: p.Pro1181Ser; replaces proline 1181 with serine.
Molecular consequence: missense variant.
Genome position (GRCh38, 1-based): chr12:47,976,019, G>A on the plus strand (C>T on the coding strand, the complement: COL2A1 is on the minus strand). VCF-style: chr12-47976019-G-A. GRCh37 (hg19) VCF-style: chr12-48369802-G-A.
Other names: c.3334C>T, p.Pro1112Ser (NM_033150.3); short protein forms P1112S, P1181S.
Identifiers: ClinVar variation 2768527 (VCV002768527.3), dbSNP rs2540102533, ClinGen allele CA384537355.
Genomic context (GRCh38, chr12:47,976,019, plus strand): 5'-TTACAGCAGGGCCGGTTTCGCCTGATCGTCCACGGGGACCAGGAGGCCCAATGGGGCCAG[G>A]GATTCCATTAGCACCATCTTTGCCAGAGGGACCGACGGGGCCAGGAGGACCCTGCAAGAG-3'
Protein context (NP_001835.3, residues 1171-1191): PSGKDGANGI[Pro1181Ser]GPIGPPGPRG